The following is an entry in ClinVar:

NM_001039141.3(TRIOBP):c.5555G>A (p.Arg1852His)

Genes: TRIOBP (TRIO and F-actin binding protein; plus strand), LOC126863145 (CDK7 strongly-dependent group 2 enhancer GRCh37_chr22:38150829-38152028; plus strand). Cytogenetic location: 22q13.1.
Variant type: single nucleotide variant.
Coding change: c.5555G>A on transcript NM_001039141.3 (MANE Select); coding-DNA position 5555, G replaced by A.
Protein change: p.Arg1852His; replaces arginine 1852 with histidine.
Molecular consequence: missense variant.
Genome position (GRCh38, 1-based): chr22:37,755,168, G>A. VCF-style: chr22-37755168-G-A. GRCh37 (hg19) VCF-style: chr22-38151175-G-A.
Other names: c.5555G>A (NM_001039141.2); c.416G>A, p.Arg139His (NM_007032.5, NM_138632.2); short protein forms R139H, R1852H.
Identifiers: ClinVar variation 1920067 (VCV001920067.6), dbSNP rs146797661, ClinGen allele CA10224736.

ClinVar aggregate classification (germline): Uncertain significance. Review status: criteria provided, multiple submitters, no conflicts (2 of 4 stars). 2 submissions from 2 submitters: Uncertain significance (2). Last evaluated 2025-07-02.

Conditions:
Inborn genetic diseases. Identifiers: MedGen C0950123, MeSH D030342.

Allele frequency attached by ClinVar (database versions not stated): gnomAD exomes below 0.00001; TOPMed below 0.00001; ExAC 0.00001; ESP Exome Variant Server 0.00008.
gnomAD v4.1: 4 of 1,612,858 alleles (0.00025%); highest among the groups gnomAD compares: African/African-American, 0.0013%; no homozygotes.

Submissions (2):

Ambry Genetics
Classification: Uncertain significance for Inborn genetic diseases. Last evaluated: 2025-07-02. Review status: criteria provided, single submitter. Criteria: Ambry Variant Classification Scheme 2023. Collection method: clinical testing. Allele origin: germline.

Labcorp Genetics (formerly Invitae), Labcorp
Classification: Uncertain significance. Last evaluated: 2025-03-03. Review status: criteria provided, single submitter. Criteria: Invitae Variant Classification Sherloc (09022015). Collection method: clinical testing. Allele origin: germline.
Comment: This sequence change replaces arginine, which is basic and polar, with histidine, which is basic and polar, at codon 1852 of the TRIOBP protein (p.Arg1852His). The frequency data for this variant in the population databases is considered unreliable, as metrics indicate poor data quality at this position in the gnomAD database. This variant has not been reported in the literature in individuals affected with TRIOBP-related conditions. ClinVar contains an entry for this variant (Variation ID: 1920067). An algorithm developed to predict the effect of missense changes on protein structure and function (PolyPhen-2) suggests that this variant is likely to be disruptive. In summary, the available evidence is currently insufficient to determine the role of this variant in disease. Therefore, it has been classified as a Variant of Uncertain Significance.